The following is an entry in ClinVar:

ClinVar aggregate classification (germline): Uncertain significance (1 of 4 stars; one submission).

gnomAD v4.1: 4 of 1,611,610 alleles (0.00025%); highest among the groups gnomAD compares: South Asian, 0.0044%; no homozygotes.

Submission:

Ambry Genetics
Classification: Uncertain significance. Last evaluated: 2025-01-04. Review status: criteria provided, single submitter. Criteria: Ambry Variant Classification Scheme 2023. Collection method: clinical testing. Allele origin: germline.
Comment: The p.P297S variant (also known as c.889C>T), located in coding exon 7 of the GEN1 gene, results from a C to T substitution at nucleotide position 889. The proline at codon 297 is replaced by serine, an amino acid with similar properties. This amino acid position is conserved. In addition, the in silico prediction for this alteration is inconclusive. Based on the available evidence, the clinical significance of this variant remains unclear.

NM_001130009.3(GEN1):c.889C>T (p.Pro297Ser)

Gene: GEN1 (GEN1 Holliday junction 5' flap endonuclease; plus strand). Cytogenetic location: 2p24.2.
Variant type: single nucleotide variant.
Coding change: c.889C>T on transcript NM_001130009.3 (MANE Select); coding-DNA position 889, C replaced by T.
Protein change: p.Pro297Ser; replaces proline 297 with serine.
Molecular consequence: missense variant.
Genome position (GRCh38, 1-based): chr2:17,772,720, C>T. VCF-style: chr2-17772720-C-T. GRCh37 (hg19) VCF-style: chr2-17953987-C-T.
Other names: c.889C>T, p.Pro297Ser (NM_182625.5); short protein forms P297S.
Identifiers: ClinVar variation 3853481 (VCV003853481.1).